The following is an entry in ClinVar:

NM_001794.5(CDH4):c.2169C>T (p.Gly723=)

Gene: CDH4 (cadherin 4; plus strand). Cytogenetic location: 20q13.33.
Variant type: single nucleotide variant.
Coding change: c.2169C>T on transcript NM_001794.5 (MANE Select); coding-DNA position 2169, C replaced by T.
Protein change: p.Gly723=; no amino-acid change (glycine 723 retained).
Molecular consequence: synonymous variant.
Genome position (GRCh38, 1-based): chr20:61,929,772, C>T. VCF-style: chr20-61929772-C-T. GRCh37 (hg19) VCF-style: chr20-60504830-C-T.
Other names: c.2058C>T, p.Gly686= (NM_001252338.2); c.1947C>T, p.Gly649= (NM_001252339.3).
Identifiers: ClinVar variation 2652462 (VCV002652462.24), dbSNP rs373101937, ClinGen allele CA9935007.

ClinVar aggregate classification (germline): Likely benign (1 of 4 stars; one submission).

Allele frequency attached by ClinVar (database versions not stated): ExAC 0.00013.
gnomAD v4.1: 63 of 1,614,004 alleles (0.0039%); highest among the groups gnomAD compares: Admixed American, 0.07%; no homozygotes.

Submission:

CeGaT Center for Human Genetics Tuebingen
Classification: Likely benign. Last evaluated: 2022-04-01. Review status: criteria provided, single submitter. Criteria: CeGaT Center For Human Genetics Tuebingen Variant Classification Criteria Version 2. Collection method: clinical testing. Allele origin: germline. Affected: yes. Observed: 1 variant allele.
Comment: CDH4: BP4, BP7